The following is an entry in ClinVar:

ClinVar aggregate classification (germline): Uncertain significance (1 of 4 stars; one submission).

Conditions:
Developmental and epileptic encephalopathy, 12 (DEE12). Identifiers: MedGen C3150988, MONDO:0013389, OMIM 613722.

gnomAD v4.1: 1 of 1,614,114 alleles (0.000062%); no homozygotes.

Submission:

Labcorp Genetics (formerly Invitae), Labcorp
Classification: Uncertain significance for Developmental and epileptic encephalopathy, 12. Last evaluated: 2022-07-29. Review status: criteria provided, single submitter. Criteria: Invitae Variant Classification Sherloc (09022015). Collection method: clinical testing. Allele origin: germline.
Comment: This variant is not present in population databases (gnomAD no frequency). This sequence change replaces serine, which is neutral and polar, with proline, which is neutral and non-polar, at codon 387 of the PLCB1 protein (p.Ser387Pro). This variant has not been reported in the literature in individuals affected with PLCB1-related conditions. Algorithms developed to predict the effect of missense changes on protein structure and function (SIFT, PolyPhen-2, Align-GVGD) all suggest that this variant is likely to be tolerated. In summary, the available evidence is currently insufficient to determine the role of this variant in disease. Therefore, it has been classified as a Variant of Uncertain Significance.

NM_015192.4(PLCB1):c.1159T>C (p.Ser387Pro)

Gene: PLCB1 (phospholipase C beta 1; plus strand). Cytogenetic location: 20p12.3.
Variant type: single nucleotide variant.
Coding change: c.1159T>C on transcript NM_015192.4 (MANE Select); coding-DNA position 1159, T replaced by C.
Protein change: p.Ser387Pro; replaces serine 387 with proline.
Molecular consequence: missense variant.
Genome position (GRCh38, 1-based): chr20:8,697,775, T>C. VCF-style: chr20-8697775-T-C. GRCh37 (hg19) VCF-style: chr20-8678422-T-C.
Other names: c.1159T>C, p.Ser387Pro (NM_182734.3); short protein forms S387P.
Identifiers: ClinVar variation 1952823 (VCV001952823.5), dbSNP rs2515247277, ClinGen allele CA408197903.